The following is an entry in ClinVar:

NM_014908.4(DOLK):c.460A>G (p.Ile154Val)

Gene: DOLK (dolichol kinase; minus strand). Cytogenetic location: 9q34.11.
Variant type: single nucleotide variant.
Coding change: c.460A>G on transcript NM_014908.4 (MANE Select); coding-DNA position 460, A replaced by G.
Protein change: p.Ile154Val; replaces isoleucine 154 with valine.
Molecular consequence: missense variant.
Genome position (GRCh38, 1-based): chr9:128,946,844, T>C on the plus strand (A>G on the coding strand, the complement: DOLK is on the minus strand). VCF-style: chr9-128946844-T-C. GRCh37 (hg19) VCF-style: chr9-131709123-T-C.
Other names: c.460A>G (NM_014908.3); short protein forms I154V.
Identifiers: ClinVar variation 1434801 (VCV001434801.8), dbSNP rs1841679811, ClinGen allele CA375125494.
Genomic context (GRCh38, chr9:128,946,844, plus strand): 5'-AGATCAGAAGGACTTCCAGGACTTCGATCACCTCCCCCACGCTCAACGAGTGCTTCATGA[T>C]ATAAATGATAACACCTCCAGCCAAGCCCAAGATGACACAAGTGTTGGTTGGCACTGGGCG-3'
Protein context (NP_055723.1, residues 144-164): LGLAGGVIIY[Ile154Val]MKHSLSVGEV

ClinVar aggregate classification (germline): Uncertain significance. Review status: criteria provided, multiple submitters, no conflicts (2 of 4 stars). 2 submissions from 2 submitters: Uncertain significance (2). Last evaluated 2025-08-11.

Conditions:
DK1-congenital disorder of glycosylation. Also called: DOLK-congenital disorder of glycosylation; Carbohydrate deficient glycoprotein syndrome type 1m; CDG Im; DK1-CDG; CONGENITAL DISORDER OF GLYCOSYLATION, TYPE Im; DK1 DEFICIENCY. Identifiers: Orphanet 91131, MedGen C1835849, MONDO:0012556, OMIM 610768.
Cardiovascular phenotype. Identifiers: MedGen CN230736.

Allele frequency attached by ClinVar (database versions not stated): TOPMed below 0.00001.

Submissions (2):

Labcorp Genetics (formerly Invitae), Labcorp
Classification: Uncertain significance for DK1-congenital disorder of glycosylation. Last evaluated: 2025-08-11. Review status: criteria provided, single submitter. Criteria: Invitae Variant Classification Sherloc (09022015). Collection method: clinical testing. Allele origin: germline.
Comment: This sequence change replaces isoleucine, which is neutral and non-polar, with valine, which is neutral and non-polar, at codon 154 of the DOLK protein (p.Ile154Val). This variant is not present in population databases (gnomAD no frequency). This variant has not been reported in the literature in individuals affected with DOLK-related conditions. ClinVar contains an entry for this variant (Variation ID: 1434801). Invitae Evidence Modeling of protein sequence and biophysical properties (such as structural, functional, and spatial information, amino acid conservation, physicochemical variation, residue mobility, and thermodynamic stability) indicates that this missense variant is not expected to disrupt DOLK protein function with a negative predictive value of 80%. In summary, the available evidence is currently insufficient to determine the role of this variant in disease. Therefore, it has been classified as a Variant of Uncertain Significance.

Ambry Genetics
Classification: Uncertain significance for Cardiovascular phenotype. Last evaluated: 2025-07-24. Review status: criteria provided, single submitter. Criteria: Ambry Variant Classification Scheme 2023. Collection method: clinical testing. Allele origin: germline.
Comment: The p.I154V variant (also known as c.460A>G), located in coding exon 1 of the DOLK gene, results from an A to G substitution at nucleotide position 460. The isoleucine at codon 154 is replaced by valine, an amino acid with highly similar properties. This amino acid position is conserved. In addition, this alteration is predicted to be tolerated by in silico analysis. Based on the available evidence, the clinical significance of this variant remains unclear.